The following is an entry in ClinVar:

ClinVar aggregate classification (germline): Uncertain significance. Review status: criteria provided, multiple submitters, no conflicts (2 of 4 stars). 2 submissions from 2 submitters: Uncertain significance (2). Last evaluated 2023-11-22.

Conditions:
Generalized epilepsy-paroxysmal dyskinesia syndrome (PNKD3). Also called: Paroxysmal nonkinesigenic dyskinesia, 3, with or without generalized epilepsy; Generalized epilepsy and paroxysmal dyskinesia. Identifiers: Orphanet 79137, MedGen C5574945, MONDO:0012276, OMIM 609446.

Submissions (2):

GeneDx
Classification: Uncertain significance. Last evaluated: 2023-11-22. Review status: criteria provided, single submitter. Criteria: GeneDx Variant Classification Process June 2021. Collection method: clinical testing. Allele origin: germline. Affected: yes.
Comment: Not observed at significant frequency in large population cohorts (gnomAD); In silico analysis supports that this missense variant does not alter protein structure/function; Has not been previously published as pathogenic or benign to our knowledge

Labcorp Genetics (formerly Invitae), Labcorp
Classification: Uncertain significance for Generalized epilepsy-paroxysmal dyskinesia syndrome. Last evaluated: 2022-02-03. Review status: criteria provided, single submitter. Criteria: Invitae Variant Classification Sherloc (09022015). Collection method: clinical testing. Allele origin: germline.
Comment: In summary, the available evidence is currently insufficient to determine the role of this variant in disease. Therefore, it has been classified as a Variant of Uncertain Significance. Algorithms developed to predict the effect of missense changes on protein structure and function are either unavailable or do not agree on the potential impact of this missense change (SIFT: "Tolerated"; PolyPhen-2: "Probably Damaging"; Align-GVGD: "Class C0"). This missense change has been observed in individual(s) with clinical features of autosomal dominant KCNMA1-related conditions (Invitae). This variant is not present in population databases (gnomAD no frequency). This sequence change replaces histidine, which is basic and polar, with tyrosine, which is neutral and polar, at codon 1133 of the KCNMA1 protein (p.His1133Tyr).

NM_001161352.2(KCNMA1):c.3571C>T (p.His1191Tyr)

Gene: KCNMA1 (potassium calcium-activated channel subfamily M alpha 1; minus strand). Cytogenetic location: 10q22.3.
Variant type: single nucleotide variant.
Coding change: c.3571C>T on transcript NM_001161352.2 (MANE Select); coding-DNA position 3571, C replaced by T.
Protein change: p.His1191Tyr; replaces histidine 1191 with tyrosine.
Molecular consequence: missense variant.
Genome position (GRCh38, 1-based): chr10:76,887,406, G>A on the plus strand (C>T on the coding strand, the complement: KCNMA1 is on the minus strand). VCF-style: chr10-76887406-G-A. GRCh37 (hg19) VCF-style: chr10-78647164-G-A.
Other names: c.3397C>T (NM_002247.3); c.3409C>T, p.His1137Tyr (NM_001014797.3); c.3520C>T, p.His1174Tyr (NM_001161353.2); c.3247C>T, p.His1083Tyr (NM_001271518.2); c.3487C>T, p.His1163Tyr (NM_001271519.2); c.3406C>T, p.His1136Tyr (NM_001322829.2, NM_001322836.2); c.3499C>T, p.His1167Tyr (NM_001322830.2); c.3397C>T, p.His1133Tyr (NM_001322832.2, NM_002247.4); and 2 more; short protein forms H1137Y, H1191Y, H1083Y, H1133Y, H1167Y, H1174Y, H1136Y, H1163Y.
Identifiers: ClinVar variation 1522746 (VCV001522746.9), dbSNP rs2151707984, ClinGen allele CA377402734.